The following is an entry in ClinVar:

NM_017763.6(RNF43):c.843G>C (p.Glu281Asp)

Gene: RNF43 (ring finger protein 43; minus strand). Cytogenetic location: 17q22.
Variant type: single nucleotide variant.
Coding change: c.843G>C on transcript NM_017763.6 (MANE Select); coding-DNA position 843, G replaced by C.
Protein change: p.Glu281Asp; replaces glutamic acid 281 with aspartic acid.
Molecular consequence: missense variant.
Genome position (GRCh38, 1-based): chr17:58,360,789, C>G on the plus strand (G>C on the coding strand, the complement: RNF43 is on the minus strand). VCF-style: chr17-58360789-C-G. GRCh37 (hg19) VCF-style: chr17-56438150-C-G.
Other names: c.843G>C, p.Glu281Asp (NM_001305544.3, NM_001438820.1, NM_001438821.1 and 1 more transcripts); c.462G>C, p.Glu154Asp (NM_001305545.2, NM_001437987.1); short protein forms E154D, E281D.
Identifiers: ClinVar variation 4155763 (VCV004155763.1).

ClinVar aggregate classification (germline): Uncertain significance (1 of 4 stars; one submission).

Submission:

Ambry Genetics
Classification: Uncertain significance. Last evaluated: 2025-07-28. Review status: criteria provided, single submitter. Criteria: Ambry Variant Classification Scheme 2023. Collection method: clinical testing. Allele origin: germline.
Comment: The p.E281D variant (also known as c.843G>C), located in coding exon 6 of the RNF43 gene, results from a G to C substitution at nucleotide position 843. The glutamic acid at codon 281 is replaced by aspartic acid, an amino acid with highly similar properties. This amino acid position is conserved. In addition, this alteration is predicted to be tolerated by in silico analysis. Based on the available evidence, the clinical significance of this variant remains unclear.